The following is an entry in ClinVar:

ClinVar aggregate classification (germline): Uncertain significance (1 of 4 stars; one submission).

Conditions:
Familial adenomatous polyposis 1 (FAP1). Also called: FAMILIAL ADENOMATOUS POLYPOSIS 1, ATTENUATED; POLYPOSIS, ADENOMATOUS INTESTINAL. Identifiers: MedGen C2713442, MONDO:0021056, OMIM 175100. Disease mechanism: loss of function.

Allele frequency attached by ClinVar (database versions not stated): ExAC 0.00001; gnomAD exomes 0.00001.
gnomAD v4.1: 3 of 1,613,884 alleles (0.00019%); highest among the groups gnomAD compares: South Asian, 0.0033%; no homozygotes.

Submission:

Labcorp Genetics (formerly Invitae), Labcorp
Classification: Uncertain significance for Familial adenomatous polyposis 1. Last evaluated: 2019-02-11. Review status: criteria provided, single submitter. Criteria: Invitae Variant Classification Sherloc (09022015). Collection method: clinical testing. Allele origin: germline.
Comment: This sequence change replaces glutamic acid with aspartic acid at codon 2639 of the APC protein (p.Glu2639Asp). The glutamic acid residue is moderately conserved and there is a small physicochemical difference between glutamic acid and aspartic acid. This variant is present in population databases (rs747568628, ExAC 0.006%). In summary, the available evidence is currently insufficient to determine the role of this variant in disease. Therefore, it has been classified as a Variant of Uncertain Significance. Algorithms developed to predict the effect of missense changes on protein structure and function output the following: SIFT: "Tolerated"; PolyPhen-2: "Benign"; Align-GVGD: "Class C0". The aspartic acid amino acid residue is found in multiple mammalian species, suggesting that this missense change does not adversely affect protein function. These predictions have not been confirmed by published functional studies and their clinical significance is uncertain. This variant has not been reported in the literature in individuals with APC-related conditions.

NM_000038.6(APC):c.7917A>T (p.Glu2639Asp)

Gene: APC (APC regulator of Wnt signaling pathway; plus strand). Cytogenetic location: 5q22.2.
Variant type: single nucleotide variant.
Coding change: c.7917A>T on transcript NM_000038.6 (MANE Select); coding-DNA position 7917, A replaced by T.
Protein change: p.Glu2639Asp; replaces glutamic acid 2639 with aspartic acid.
Molecular consequence: missense variant.
Genome position (GRCh38, 1-based): chr5:112,843,511, A>T. VCF-style: chr5-112843511-A-T. GRCh37 (hg19) VCF-style: chr5-112179208-A-T.
Other names: c.7917A>T, p.Glu2639Asp (NM_001127510.3, NM_001354895.2); c.7863A>T, p.Glu2621Asp (NM_001127511.3); c.7971A>T, p.Glu2657Asp (NM_001354896.2); c.7947A>T, p.Glu2649Asp (NM_001354897.2); c.7842A>T, p.Glu2614Asp (NM_001354898.2); c.7833A>T, p.Glu2611Asp (NM_001354899.2); c.7794A>T, p.Glu2598Asp (NM_001354900.2); c.7740A>T, p.Glu2580Asp (NM_001354901.2); and 5 more; short protein forms E2548D, E2614D, E2580D, E2611D, E2649D, E2657D, E2479D, E2538D.
Identifiers: ClinVar variation 844198 (VCV000844198.11), dbSNP rs747568628, ClinGen allele CA049467.
Genomic context (GRCh38, chr5:112,843,511, plus strand): 5'-ATTTTCTCCCACAAATAGTACTTCTCAGACCGTTTCCTCAGGTGCTACAAATGGTGCTGA[A>T]TCAAAGACTCTAATTTATCAAATGGCACCTGCTGTTTCTAAAACAGAGGATGTTTGGGTG-3'
Protein context (NP_000029.2, residues 2629-2649): TVSSGATNGA[Glu2639Asp]SKTLIYQMAP